The following is an entry in ClinVar:

ClinVar aggregate classification (germline): Benign/Likely benign. Review status: criteria provided, multiple submitters, no conflicts (2 of 4 stars). 3 submissions from 3 submitters: Benign (1); Likely benign (2). Last evaluated 2026-09-06.

Conditions:
Familial cancer of breast. Also called: BREAST CANCER, FAMILIAL; Hereditary breast cancer; hereditary breast carcinoma. Identifiers: Orphanet 227535, MedGen C0346153, MONDO:0016419, OMIM 114480. Disease mechanism: loss of function.
Hereditary cancer-predisposing syndrome. Also called: Hereditary Cancer Syndrome; Hereditary neoplastic syndrome; Neoplastic Syndromes, Hereditary; Tumor predisposition. Identifiers: Orphanet 140162, MedGen C0027672, MeSH D009386, MONDO:0015356.

Submissions (3):

Ambry Genetics
Classification: Likely benign for Hereditary cancer-predisposing syndrome. Last evaluated: 2026-09-06. Review status: criteria provided, single submitter. Criteria: Ambry Variant Classification Scheme 2023. Collection method: clinical testing. Allele origin: germline.

Labcorp Genetics (formerly Invitae), Labcorp
Classification: Likely benign for Familial cancer of breast. Last evaluated: 2025-05-30. Review status: criteria provided, single submitter. Criteria: Invitae Variant Classification Sherloc (09022015). Collection method: clinical testing. Allele origin: germline.

Myriad Genetics, Inc.
Classification: Benign for Familial cancer of breast. Last evaluated: 2025-01-13. Review status: criteria provided, single submitter. Criteria: Myriad Autosomal Dominant, Autosomal Recessive and X-Linked Classification Criteria (2023). Collection method: clinical testing. Allele origin: unknown.
Comment: This variant is considered benign. This variant is a silent/synonymous amino acid change and it is not expected to impact splicing.

NM_024675.4(PALB2):c.927A>T (p.Ile309=)

Gene: PALB2 (partner and localizer of BRCA2; minus strand). Cytogenetic location: 16p12.2.
Variant type: single nucleotide variant.
Coding change: c.927A>T on transcript NM_024675.4 (MANE Select); coding-DNA position 927, A replaced by T.
Protein change: p.Ile309=; no amino-acid change (isoleucine 309 retained).
Molecular consequence: synonymous variant. On other transcripts: intron variant (3).
Genome position (GRCh38, 1-based): chr16:23,635,619, T>A on the plus strand (A>T on the coding strand, the complement: PALB2 is on the minus strand). VCF-style: chr16-23635619-T-A. GRCh37 (hg19) VCF-style: chr16-23646940-T-A.
Other names: c.867A>T, p.Ile289= (NM_001407296.1); c.927A>T, p.Ile309= (NM_001407297.1, NM_001407298.1, NM_001407299.1 and 3 more transcripts); c.42A>T, p.Ile14= (NM_001407304.1, NM_001407305.1, NM_001407306.1 and 5 more transcripts); c.48+5491A>T (NM_001407314.1); c.-104-5150A>T (NM_001407313.1, NM_001407312.1).
Identifiers: ClinVar variation 3904205 (VCV003904205.3).